The following is an entry in ClinVar:

NM_022095.4(ZNF335):c.1045A>G (p.Arg349Gly)

Gene: ZNF335 (zinc finger protein 335; minus strand). Cytogenetic location: 20q13.12.
Variant type: single nucleotide variant.
Coding change: c.1045A>G on transcript NM_022095.4 (MANE Select); coding-DNA position 1045, A replaced by G.
Protein change: p.Arg349Gly; replaces arginine 349 with glycine.
Molecular consequence: missense variant.
Genome position (GRCh38, 1-based): chr20:45,965,685, T>C on the plus strand (A>G on the coding strand, the complement: ZNF335 is on the minus strand). VCF-style: chr20-45965685-T-C. GRCh37 (hg19) VCF-style: chr20-44594324-T-C.
Other names: short protein forms R349G.
Identifiers: ClinVar variation 2088188 (VCV002088188.4), dbSNP rs1386432582, ClinGen allele CA409252147.

ClinVar aggregate classification (germline): Uncertain significance (1 of 4 stars; one submission).

Submission:

Labcorp Genetics (formerly Invitae), Labcorp
Classification: Uncertain significance. Last evaluated: 2023-11-19. Review status: criteria provided, single submitter. Criteria: Invitae Variant Classification Sherloc (09022015). Collection method: clinical testing. Allele origin: germline.
Comment: This sequence change replaces arginine, which is basic and polar, with glycine, which is neutral and non-polar, at codon 349 of the ZNF335 protein (p.Arg349Gly). This variant is not present in population databases (gnomAD no frequency). This variant has not been reported in the literature in individuals affected with ZNF335-related conditions. ClinVar contains an entry for this variant (Variation ID: 2088188). Advanced modeling of protein sequence and biophysical properties (such as structural, functional, and spatial information, amino acid conservation, physicochemical variation, residue mobility, and thermodynamic stability) performed at Invitae indicates that this missense variant is not expected to disrupt ZNF335 protein function with a negative predictive value of 80%. In summary, the available evidence is currently insufficient to determine the role of this variant in disease. Therefore, it has been classified as a Variant of Uncertain Significance.